The following is an entry in ClinVar:

NM_001363711.2(DUOX2):c.2769T>A (p.Asp923Glu)

Gene: DUOX2 (dual oxidase 2; minus strand). Cytogenetic location: 15q21.1.
Variant type: single nucleotide variant.
Coding change: c.2769T>A on transcript NM_001363711.2 (MANE Select); coding-DNA position 2769, T replaced by A.
Protein change: p.Asp923Glu; replaces aspartic acid 923 with glutamic acid.
Molecular consequence: missense variant.
Genome position (GRCh38, 1-based): chr15:45,101,875, A>T on the plus strand (T>A on the coding strand, the complement: DUOX2 is on the minus strand). VCF-style: chr15-45101875-A-T. GRCh37 (hg19) VCF-style: chr15-45394073-A-T.
Other names: c.2769T>A, p.Asp923Glu (NM_014080.5); short protein forms D923E.
Identifiers: ClinVar variation 2837178 (VCV002837178.3), dbSNP rs1439443496, ClinGen allele CA392266931.

ClinVar aggregate classification (germline): Uncertain significance (1 of 4 stars; one submission).

Allele frequency attached by ClinVar (database versions not stated): gnomAD exomes below 0.00001.

Submission:

Labcorp Genetics (formerly Invitae), Labcorp
Classification: Uncertain significance. Last evaluated: 2023-02-14. Review status: criteria provided, single submitter. Criteria: Invitae Variant Classification Sherloc (09022015). Collection method: clinical testing. Allele origin: germline.
Comment: In summary, the available evidence is currently insufficient to determine the role of this variant in disease. Therefore, it has been classified as a Variant of Uncertain Significance. Advanced modeling of protein sequence and biophysical properties (such as structural, functional, and spatial information, amino acid conservation, physicochemical variation, residue mobility, and thermodynamic stability) performed at Invitae indicates that this missense variant is not expected to disrupt DUOX2 protein function. This variant has not been reported in the literature in individuals affected with DUOX2-related conditions. This variant is not present in population databases (gnomAD no frequency). This sequence change replaces aspartic acid, which is acidic and polar, with glutamic acid, which is acidic and polar, at codon 923 of the DUOX2 protein (p.Asp923Glu).